The following is an entry in ClinVar:

NM_000320.3(QDPR):c.11C>T (p.Ala4Val)

Genes: QDPR (quinoid dihydropteridine reductase; minus strand), LOC129992304 (ATAC-STARR-seq lymphoblastoid silent region 15310; plus strand). Cytogenetic location: 4p15.32.
Variant type: single nucleotide variant.
Coding change: c.11C>T on transcript NM_000320.3 (MANE Select); coding-DNA position 11, C replaced by T.
Protein change: p.Ala4Val; replaces alanine 4 with valine.
Molecular consequence: missense variant. On other transcripts: non-coding transcript variant (1).
Genome position (GRCh38, 1-based): chr4:17,512,044, G>A on the plus strand (C>T on the coding strand, the complement: QDPR is on the minus strand). VCF-style: chr4-17512044-G-A. GRCh37 (hg19) VCF-style: chr4-17513667-G-A.
Other names: c.11C>T, p.Ala4Val (NM_001306140.2); short protein forms A4V.
Identifiers: ClinVar variation 2051879 (VCV002051879.2), dbSNP rs1202779724, ClinGen allele CA356454539.

ClinVar aggregate classification (germline): Uncertain significance (1 of 4 stars; one submission).

Conditions:
Dihydropteridine reductase deficiency (HPABH4C). Also called: BH4-Deficient Hyperphenylalaninemia C; HYPERPHENYLALANINEMIA, TETRAHYDROBIOPTERIN-DEFICIENT, DUE TO DHPR DEFICIENCY; QDPR DEFICIENCY; QUINOID DIHYDROPTERIDINE REDUCTASE DEFICIENCY; Phenylketonuria II; Hyperphenylalaninemia due to dihydropteridine reductase deficiency. Identifiers: Orphanet 226, Orphanet 238583, MedGen C0268465, MONDO:0009862, OMIM 261630.

Allele frequency attached by ClinVar (database versions not stated): TOPMed 0.00001.
gnomAD v4.1: 4 of 1,601,300 alleles (0.00025%); highest among the groups gnomAD compares: Admixed American, 0.0017%; no homozygotes.

Submission:

Labcorp Genetics (formerly Invitae), Labcorp
Classification: Uncertain significance for Dihydropteridine reductase deficiency. Last evaluated: 2021-12-21. Review status: criteria provided, single submitter. Criteria: Invitae Variant Classification Sherloc (09022015). Collection method: clinical testing. Allele origin: germline.
Comment: In summary, the available evidence is currently insufficient to determine the role of this variant in disease. Therefore, it has been classified as a Variant of Uncertain Significance. Algorithms developed to predict the effect of missense changes on protein structure and function are either unavailable or do not agree on the potential impact of this missense change (SIFT: "Tolerated"; PolyPhen-2: "Not Available"; Align-GVGD: "Class C0"). This variant has not been reported in the literature in individuals affected with QDPR-related conditions. The frequency data for this variant in the population databases is considered unreliable, as metrics indicate poor data quality at this position in the gnomAD database. This sequence change replaces alanine, which is neutral and non-polar, with valine, which is neutral and non-polar, at codon 4 of the QDPR protein (p.Ala4Val).